The following is an entry in ClinVar:

ClinVar aggregate classification (germline): Uncertain significance. Review status: criteria provided, multiple submitters, no conflicts (2 of 4 stars). 2 submissions from 2 submitters: Uncertain significance (2). Last evaluated 2025-10-22.

Conditions:
Inborn genetic diseases. Identifiers: MedGen C0950123, MeSH D030342.
Deficiency of UDPglucose-hexose-1-phosphate uridylyltransferase. Also called: GALACTOSE-1-PHOSPHATE URIDYLYLTRANSFERASE DEFICIENCY; GALT deficiency; Galactosemia, classic; Transferase Deficiency Galactosemia; GALACTOSEMIA I. Identifiers: Orphanet 352, Orphanet 79239, MedGen C0268151, MONDO:0009258, OMIM 230400.

Submissions (2):

Ambry Genetics
Classification: Uncertain significance for Inborn genetic diseases. Last evaluated: 2025-10-22. Review status: criteria provided, single submitter. Criteria: Ambry Variant Classification Scheme 2023. Collection method: clinical testing. Allele origin: germline.

Labcorp Genetics (formerly Invitae), Labcorp
Classification: Uncertain significance for Deficiency of UDPglucose-hexose-1-phosphate uridylyltransferase. Last evaluated: 2024-06-11. Review status: criteria provided, single submitter. Criteria: Invitae Variant Classification Sherloc (09022015). Collection method: clinical testing. Allele origin: germline.
Comment: This sequence change replaces proline, which is neutral and non-polar, with histidine, which is basic and polar, at codon 59 of the GALT protein (p.Pro59His). This variant is present in population databases (rs139056441, gnomAD 0.03%). This variant has not been reported in the literature in individuals affected with GALT-related conditions. Advanced modeling of protein sequence and biophysical properties (such as structural, functional, and spatial information, amino acid conservation, physicochemical variation, residue mobility, and thermodynamic stability) performed at Invitae indicates that this missense variant is expected to disrupt GALT protein function with a positive predictive value of 80%. In summary, the available evidence is currently insufficient to determine the role of this variant in disease. Therefore, it has been classified as a Variant of Uncertain Significance.

NM_000155.4(GALT):c.176C>A (p.Pro59His)

Genes: GALT (galactose-1-phosphate uridylyltransferase; plus strand), LOC130001683 (ATAC-STARR-seq lymphoblastoid active region 28314; plus strand). Cytogenetic location: 9p13.3.
Variant type: single nucleotide variant.
Coding change: c.176C>A on transcript NM_000155.4 (MANE Select); coding-DNA position 176, C replaced by A.
Protein change: p.Pro59His; replaces proline 59 with histidine.
Molecular consequence: missense variant. On other transcripts: 5 prime UTR variant (1).
Genome position (GRCh38, 1-based): chr9:34,647,182, C>A. VCF-style: chr9-34647182-C-A. GRCh37 (hg19) VCF-style: chr9-34647179-C-A.
Other names: c.176C>A (NM_000155.2); c.-27C>A (NM_001258332.2); short protein forms P59H.
Identifiers: ClinVar variation 3666454 (VCV003666454.3).